The following is an entry in ClinVar:

ClinVar aggregate classification (germline): Uncertain significance. Review status: criteria provided, multiple submitters, no conflicts (2 of 4 stars). 3 submissions from 3 submitters: Uncertain significance (3). Last evaluated 2024-10-31.

Conditions:
Inborn genetic diseases. Identifiers: MedGen C0950123, MeSH D030342.
Congenital multicore myopathy with external ophthalmoplegia (CMYO1B). Also called: Minicore myopathy with external ophthalmoplegia; MULTIMINICORE DISEASE WITH EXTERNAL OPHTHALMOPLEGIA; MULTICORE MYOPATHY; Congenital myopathy 1B, autosomal recessive; Minicore myopathy. Identifiers: Orphanet 598, Orphanet 98905, MedGen C1850674, MONDO:0009712, OMIM 255320, HP:0003789.
Malignant hyperthermia, susceptibility to, 1 (MHS1). Also called: RYR1-Related Malignant Hyperthermia Susceptibility; Malignant hyperthermia suceptibility 1; Anesthesia related hyperthermia; Malignant hyperpyrexia; Fulminating hyperpyrexia; Pharmacogenic myopathy. Identifiers: Orphanet 423, MedGen C2930980, MONDO:0007783, OMIM 145600.
Congenital myopathy with fiber type disproportion. Also called: Congenital fiber-type disproportion myopathy; Congenital fiber-type disproportion. Identifiers: Orphanet 2020, MedGen C0546264, MONDO:0009711. Inheritance: all.
Central core myopathy (CMYO1A). Also called: Central core disease; Myopathy, central fibrillar; CONGENITAL MYOPATHY 1A, AUTOSOMAL DOMINANT, WITH SUSCEPTIBILITY TO MALIGNANT HYPERTHERMIA. Identifiers: Orphanet 597, MedGen C5830701, MONDO:0007294, OMIM 117000.
King Denborough syndrome (KDS). Identifiers: MedGen C1840365, MONDO:0020485, OMIM 619542.
RYR1-related disorder. Also called: RYR1-related disorders; RYR1-related condition. Identifiers: MedGen CN239331.

Allele frequency attached by ClinVar (database versions not stated): 1000 Genomes Project 30x 0.00031.
gnomAD v4.1: 16 of 1,504,786 alleles (0.0011%); highest among the groups gnomAD compares: East Asian, 0.011%; no homozygotes.

Submissions (3):

Labcorp Genetics (formerly Invitae), Labcorp
Classification: Uncertain significance for RYR1-related disorder. Last evaluated: 2024-10-31. Review status: criteria provided, single submitter. Criteria: Invitae Variant Classification Sherloc (09022015). Collection method: clinical testing. Allele origin: germline.
Comment: This sequence change replaces glutamic acid, which is acidic and polar, with lysine, which is basic and polar, at codon 4390 of the RYR1 protein (p.Glu4390Lys). This variant is not present in population databases (gnomAD no frequency). This variant has not been reported in the literature in individuals affected with RYR1-related conditions. ClinVar contains an entry for this variant (Variation ID: 1509002). Invitae Evidence Modeling of protein sequence and biophysical properties (such as structural, functional, and spatial information, amino acid conservation, physicochemical variation, residue mobility, and thermodynamic stability) indicates that this missense variant is not expected to disrupt RYR1 protein function with a negative predictive value of 80%. In summary, the available evidence is currently insufficient to determine the role of this variant in disease. Therefore, it has been classified as a Variant of Uncertain Significance.

Ambry Genetics
Classification: Uncertain significance for Inborn genetic diseases. Last evaluated: 2022-02-02. Review status: criteria provided, single submitter. Criteria: Ambry Variant Classification Scheme 2023. Collection method: clinical testing. Allele origin: germline.

Fulgent Genetics
Classification: Uncertain significance for Central core myopathy; Malignant hyperthermia, susceptibility to, 1; Congenital myopathy 4A, autosomal dominant; Congenital multicore myopathy with external ophthalmoplegia; King Denborough syndrome. Last evaluated: 2021-10-20. Review status: criteria provided, single submitter. Criteria: ACMG Guidelines, 2015. Collection method: clinical testing. Allele origin: unknown.

NM_000540.3(RYR1):c.13168G>A (p.Glu4390Lys)

Gene: RYR1 (ryanodine receptor 1; plus strand). Cytogenetic location: 19q13.2.
Variant type: single nucleotide variant.
Coding change: c.13168G>A on transcript NM_000540.3 (MANE Select); coding-DNA position 13168, G replaced by A.
Protein change: p.Glu4390Lys; replaces glutamic acid 4390 with lysine.
Molecular consequence: missense variant.
Genome position (GRCh38, 1-based): chr19:38,565,502, G>A. VCF-style: chr19-38565502-G-A. GRCh37 (hg19) VCF-style: chr19-39056142-G-A.
Other names: c.13153G>A, p.Glu4385Lys (NM_001042723.2); c.13168G>A (NM_000540.2); short protein forms E4385K, E4390K.
Identifiers: ClinVar variation 1509002 (VCV001509002.7), dbSNP rs1413644550, ClinGen allele CA080798.